The following is an entry in ClinVar:

ClinVar aggregate classification (germline): Likely pathogenic (1 of 4 stars; one submission).

Conditions:
Gnathodiaphyseal dysplasia (GDD). Also called: GNATHODIAPHYSEAL SCLEROSIS; OSTEOGENESIS IMPERFECTA WITH UNUSUAL SKELETAL LESIONS. Identifiers: Orphanet 53697, MedGen C1833736, MONDO:0008151, OMIM 166260.
Autosomal recessive limb-girdle muscular dystrophy type 2L (LGMDR12). Also called: Limb-girdle muscular dystrophy, type 2L; MUSCULAR DYSTROPHY, LIMB-GIRDLE, AUTOSOMAL RECESSIVE 12; Limb-Girdle Muscular Dystrophy R12 Anoctamin-5-Related (LGMD-R12). Identifiers: Orphanet 206549, MedGen C1969785, MONDO:0012652, OMIM 611307.

Submission:

Labcorp Genetics (formerly Invitae), Labcorp
Classification: Likely pathogenic for Autosomal recessive limb-girdle muscular dystrophy type 2L; Gnathodiaphyseal dysplasia. Last evaluated: 2024-10-16. Review status: criteria provided, single submitter. Criteria: Invitae Variant Classification Sherloc (09022015). Collection method: clinical testing. Allele origin: germline.
Comment: This sequence change replaces leucine, which is neutral and non-polar, with isoleucine, which is neutral and non-polar, at codon 273 of the ANO5 protein (p.Leu273Ile). This variant is not present in population databases (gnomAD no frequency). This variant has not been reported in the literature in individuals affected with ANO5-related conditions. Invitae Evidence Modeling of protein sequence and biophysical properties (such as structural, functional, and spatial information, amino acid conservation, physicochemical variation, residue mobility, and thermodynamic stability) indicates that this missense variant is expected to disrupt ANO5 protein function with a positive predictive value of 95%. This variant disrupts the p.Leu273 amino acid residue in ANO5. Other variant(s) that disrupt this residue have been determined to be pathogenic (PMID: 23530687, 29382405; internal data). This suggests that this residue is clinically significant, and that variants that disrupt this residue are likely to be disease-causing. In summary, the currently available evidence indicates that the variant is pathogenic, but additional data are needed to prove that conclusively. Therefore, this variant has been classified as Likely Pathogenic.

Literature cited by the submitters: PubMed 23530687; PubMed 29382405.

NM_213599.3(ANO5):c.817C>A (p.Leu273Ile)

Gene: ANO5 (anoctamin 5; plus strand). Cytogenetic location: 11p14.3.
Variant type: single nucleotide variant.
Coding change: c.817C>A on transcript NM_213599.3 (MANE Select); coding-DNA position 817, C replaced by A.
Protein change: p.Leu273Ile; replaces leucine 273 with isoleucine.
Molecular consequence: missense variant.
Genome position (GRCh38, 1-based): chr11:22,239,623, C>A. VCF-style: chr11-22239623-C-A. GRCh37 (hg19) VCF-style: chr11-22261169-C-A.
Other names: c.814C>A, p.Leu272Ile (NM_001142649.2); c.775C>A, p.Leu259Ile (NM_001410963.1); c.772C>A, p.Leu258Ile (NM_001410964.1); short protein forms L258I, L259I, L272I, L273I.
Identifiers: ClinVar variation 3753728 (VCV003753728.2).